The following is an entry in ClinVar:

NM_031935.3(HMCN1):c.13310A>G (p.Gln4437Arg)

Gene: HMCN1 (hemicentin 1; plus strand). Cytogenetic location: 1q31.1.
Variant type: single nucleotide variant.
Coding change: c.13310A>G on transcript NM_031935.3 (MANE Select); coding-DNA position 13310, A replaced by G.
Protein change: p.Gln4437Arg; replaces glutamine 4437 with arginine.
Molecular consequence: missense variant.
Genome position (GRCh38, 1-based): chr1:186,132,407, A>G. VCF-style: chr1-186132407-A-G. GRCh37 (hg19) VCF-style: chr1-186101539-A-G.
Other names: short protein forms Q4437R.
Identifiers: ClinVar variation 294262 (VCV000294262.15), dbSNP rs10911825, ClinGen allele CA1294623.

ClinVar aggregate classification (germline): Benign. Review status: criteria provided, multiple submitters, no conflicts (2 of 4 stars). 5 submissions from 5 submitters: Benign (5). Last evaluated 2026-02-03.

Conditions:
Age related macular degeneration 1 (ARMD1). Also called: MACULOPATHY, AGE-RELATED, 1. Identifiers: MedGen C1864205, MONDO:0011285, OMIM 603075.

Allele frequency attached by ClinVar (database versions not stated): gnomAD 0.39616 and 0.39391; gnomAD exomes 0.29275 and 0.37976; ExAC 0.40824; 1000 Genomes Project 0.48442; 1000 Genomes Project 30x 0.49126; ESP Exome Variant Server 0.36996; TOPMed 0.41619.
gnomAD v4.1: 486,965 of 1,604,574 alleles (30%); highest among the groups gnomAD compares: African/African-American, 60%; 83,905 homozygotes.

Submissions (5):

Labcorp Genetics (formerly Invitae), Labcorp
Classification: Benign. Last evaluated: 2026-02-03. Review status: criteria provided, single submitter. Criteria: Invitae Variant Classification Sherloc (09022015). Collection method: clinical testing. Allele origin: germline.

Genome-Nilou Lab
Classification: Benign for Age related macular degeneration 1. Last evaluated: 2023-04-11. Review status: criteria provided, single submitter. Criteria: ACMG Guidelines, 2015. Collection method: clinical testing. Allele origin: germline. Affected: no.

Mendelics
Classification: Benign for Age related macular degeneration 1. Last evaluated: 2019-05-28. Review status: criteria provided, single submitter. Criteria: Mendelics Assertion Criteria 2017. Collection method: clinical testing. Allele origin: unknown.

Illumina Laboratory Services, Illumina
Classification: Benign for Age related macular degeneration 1. Last evaluated: 2018-01-12. Review status: criteria provided, single submitter. Criteria: ICSL Variant Classification Criteria 13 December 2019. Collection method: clinical testing. Allele origin: germline.
Comment: This variant was observed in the ICSL laboratory as part of a predisposition screen in an ostensibly healthy population. It had not been previously curated by ICSL or reported in the Human Gene Mutation Database (HGMD: prior to June 1st, 2018), and was therefore a candidate for classification through an automated scoring system. Utilizing variant allele frequency, disease prevalence and penetrance estimates, and inheritance mode, an automated score was calculated to assess if this variant is too frequent to cause the disease. Based on the score and internal cut-off values, a variant classified as benign is not then subjected to further curation. The score for this variant resulted in a classification of benign for this disease.

Breakthrough Genomics
Classification: Benign. Review status: criteria provided, single submitter. Criteria: ACMG Guidelines, 2015. Collection method: not provided. Allele origin: germline. Inheritance: Autosomal dominant inheritance. Affected: yes.